The following is an entry in ClinVar:

ClinVar aggregate classification (germline): Uncertain significance. Review status: criteria provided, multiple submitters, no conflicts (2 of 4 stars). 2 submissions from 2 submitters: Uncertain significance (2). Last evaluated 2026-04-16.

Conditions:
Walker-Warburg congenital muscular dystrophy. Also called: Muscular dystrophy-dystroglycanopathy, type A; Walker-Warburg syndrome. Identifiers: Orphanet 899, MedGen C0265221, MONDO:0000171.

gnomAD v4.1: 14 of 1,614,020 alleles (0.00087%); highest among the groups gnomAD compares: South Asian, 0.0022%; no homozygotes.

Submissions (2):

GeneDx
Classification: Uncertain significance. Last evaluated: 2026-04-16. Review status: criteria provided, single submitter. Criteria: GeneDx Variant Classification Process June 2021. Collection method: clinical testing. Allele origin: germline.
Comment: Not observed at significant frequency in large population cohorts (gnomAD); In silico analysis suggests that this missense variant does not alter protein structure/function; Has not been previously published as pathogenic or benign to our knowledge

Labcorp Genetics (formerly Invitae), Labcorp
Classification: Uncertain significance for Walker-Warburg congenital muscular dystrophy. Last evaluated: 2022-05-22. Review status: criteria provided, single submitter. Criteria: Invitae Variant Classification Sherloc (09022015). Collection method: clinical testing. Allele origin: germline.
Comment: This sequence change replaces arginine, which is basic and polar, with histidine, which is basic and polar, at codon 438 of the FKTN protein (p.Arg438His). This variant is present in population databases (rs139291792, gnomAD 0.006%). This variant has not been reported in the literature in individuals affected with FKTN-related conditions. Algorithms developed to predict the effect of missense changes on protein structure and function output the following: SIFT: "Tolerated"; PolyPhen-2: "Benign"; Align-GVGD: "Class C0". The histidine amino acid residue is found in multiple mammalian species, which suggests that this missense change does not adversely affect protein function. In summary, the available evidence is currently insufficient to determine the role of this variant in disease. Therefore, it has been classified as a Variant of Uncertain Significance.

NM_001079802.2(FKTN):c.1313G>A (p.Arg438His)

Gene: FKTN (fukutin; plus strand). Cytogenetic location: 9q31.2.
Variant type: single nucleotide variant.
Coding change: c.1313G>A on transcript NM_001079802.2 (MANE Select); coding-DNA position 1313, G replaced by A.
Protein change: p.Arg438His; replaces arginine 438 with histidine.
Molecular consequence: missense variant. On other transcripts: 3 prime UTR variant (1), non-coding transcript variant (2), intron variant (1).
Genome position (GRCh38, 1-based): chr9:105,635,191, G>A. VCF-style: chr9-105635191-G-A. GRCh37 (hg19) VCF-style: chr9-108397472-G-A.
Other names: c.1313G>A, p.Arg438His (NM_001351496.2, NM_006731.2); c.1244G>A, p.Arg415His (NM_001351497.2); c.*105G>A (NM_001351498.2); c.917G>A, p.Arg306His (NM_001351499.2, NM_001351500.2, NM_001351501.2 and 1 more transcripts); c.1270+43G>A (NM_001198963.2); short protein forms R415H, R306H, R438H.
Identifiers: ClinVar variation 2045293 (VCV002045293.2), dbSNP rs139291792, ClinGen allele CA5170609.
Genomic context (GRCh38, chr9:105,635,191, plus strand): 5'-ACATTGAAGCCAACTATGGTAAGACCTGGAAGATTCCTGTAAAGACGTGGGACTGGAAGC[G>A]CTCTCCTCCCAATGTGCAACCCAATGGAATCTGGCCTATTTCTGAGTGGGATGAGGTTAT-3'
Protein context (NP_001073270.1, residues 428-448): KIPVKTWDWK[Arg438His]SPPNVQPNGI